The following is an entry in ClinVar:

NM_001267550.2(TTN):c.73905C>T (p.Leu24635=)

Genes: TTN (titin; minus strand), TTN-AS1 (TTN antisense RNA 1; plus strand). Cytogenetic location: 2q31.2.
Variant type: single nucleotide variant.
Coding change: c.73905C>T on transcript NM_001267550.2 (MANE Select); coding-DNA position 73905, C replaced by T.
Protein change: p.Leu24635=; no amino-acid change (leucine 24635 retained).
Molecular consequence: synonymous variant.
Genome position (GRCh38, 1-based): chr2:178,572,227, G>A on the plus strand (C>T on the coding strand, the complement: TTN is on the minus strand). VCF-style: chr2-178572227-G-A. GRCh37 (hg19) VCF-style: chr2-179436954-G-A.
Other names: c.68982C>T, p.Leu22994= (NM_001256850.1); c.46710C>T, p.Leu15570= (NM_003319.4); c.66201C>T, p.Leu22067= (NM_133378.4); c.47085C>T, p.Leu15695= (NM_133432.3); c.47286C>T, p.Leu15762= (NM_133437.4).
Identifiers: ClinVar variation 511319 (VCV000511319.10), dbSNP rs754045020, ClinGen allele CA1990290.

ClinVar aggregate classification (germline): Likely benign. Review status: criteria provided, multiple submitters, no conflicts (2 of 4 stars). 3 submissions from 3 submitters: Likely benign (3). Last evaluated 2025-11-07.

Conditions:
Cardiovascular phenotype. Identifiers: MedGen CN230736.
Dilated cardiomyopathy 1G (CMD1G). Identifiers: Orphanet 154, MedGen C1858763, MONDO:0011400, OMIM 604145.
Autosomal recessive limb-girdle muscular dystrophy type 2J (LGMDR10). Also called: Limb-girdle muscular dystrophy, type 2J; MUSCULAR DYSTROPHY, LIMB-GIRDLE, AUTOSOMAL RECESSIVE 10. Identifiers: Orphanet 140922, MedGen C1837342, MONDO:0012127, OMIM 608807.

Allele frequency attached by ClinVar (database versions not stated): ExAC 0.00002; gnomAD exomes 0.00002 and 0.00005; TOPMed 0.00003.
gnomAD v4.1: 13 of 1,613,388 alleles (0.00081%); highest among the groups gnomAD compares: Admixed American, 0.017%; no homozygotes.

Submissions (3):

Ambry Genetics
Classification: Likely benign for Cardiovascular phenotype. Last evaluated: 2025-11-07. Review status: criteria provided, single submitter. Criteria: Ambry Variant Classification Scheme 2023. Collection method: clinical testing. Allele origin: germline.

Labcorp Genetics (formerly Invitae), Labcorp
Classification: Likely benign for Dilated cardiomyopathy 1G; Autosomal recessive limb-girdle muscular dystrophy type 2J. Last evaluated: 2025-04-08. Review status: criteria provided, single submitter. Criteria: Invitae Variant Classification Sherloc (09022015). Collection method: clinical testing. Allele origin: germline.

GeneDx
Classification: Likely benign. Last evaluated: 2017-08-02. Review status: criteria provided, single submitter. Criteria: GeneDx Variant Classification (06012015). Collection method: clinical testing. Allele origin: germline. Affected: yes.
Comment: This variant is considered likely benign or benign based on one or more of the following criteria: it is a conservative change, it occurs at a poorly conserved position in the protein, it is predicted to be benign by multiple in silico algorithms, and/or has population frequency not consistent with disease.